The following is an entry in ClinVar:

NM_001145026.2(PTPRQ):c.4522A>T (p.Arg1508Ter)

Gene: PTPRQ (protein tyrosine phosphatase receptor type Q; plus strand). Cytogenetic location: 12q21.31.
Variant type: single nucleotide variant.
Coding change: c.4522A>T on transcript NM_001145026.2 (MANE Select); coding-DNA position 4522, A replaced by T.
Protein change: p.Arg1508Ter; replaces arginine 1508 with a stop codon.
Molecular consequence: nonsense.
Genome position (GRCh38, 1-based): chr12:80,588,365, A>T. VCF-style: chr12-80588365-A-T. GRCh37 (hg19) VCF-style: chr12-80982144-A-T.
Other names: short protein forms R1508*.
Identifiers: ClinVar variation 5008737 (VCV005008737.1).

ClinVar aggregate classification (germline): Likely pathogenic (1 of 4 stars; one submission).

gnomAD v4.1: 13 of 1,545,436 alleles (0.00084%); highest among the groups gnomAD compares: Non-Finnish European, 0.0011%; no homozygotes.

Submission:

GeneDx
Classification: Likely pathogenic. Last evaluated: 2026-03-09. Review status: criteria provided, single submitter. Criteria: GeneDx Variant Classification Process June 2021. Collection method: clinical testing. Allele origin: germline.
Comment: Nonsense variant predicted to result in protein truncation or nonsense mediated decay in a gene for which loss of function is a known mechanism of disease; Not observed at significant frequency in large population cohorts (gnomAD); Has not been previously published as pathogenic or benign to our knowledge